The following is an entry in ClinVar:

ClinVar aggregate classification (germline): Pathogenic (1 of 4 stars; one submission).

Conditions:
Retinoblastoma (RB1). Also called: RETINOBLASTOMA, SOMATIC. Identifiers: Orphanet 790, MedGen C0035335, MeSH D012175, MONDO:0008380, OMIM 180200, HP:0009919. Disease mechanism: loss of function. Inheritance: Both sporadic and heritable forms are tested..

Submission:

Genetic Diagnostic Laboratory, University of Pennsylvania School of Medicine
Classification: Pathogenic for Retinoblastoma. Last evaluated: 2024-05-20. Review status: criteria provided, single submitter. Criteria: ACMG Guidelines, 2015. Collection method: clinical testing. Allele origin: germline. Affected: yes. Observed: 2 variant alleles.
Comment: Case and Pedigree Information: BILATERAL CASES:2, UNILATERAL CASES:0, TOTAL CASES:2, PEDIGREES:2. ACMG Codes Applied:PVS1, PM2

NM_000321.3(RB1):c.442_443del (p.Met148fs)

Gene: RB1 (RB transcriptional corepressor 1; plus strand). Cytogenetic location: 13q14.2.
Variant type: Deletion.
Coding change: c.442_443del on transcript NM_000321.3 (MANE Select); coding-DNA positions 442 to 443, 2 bases deleted (AT; older notation c.442_443delAT).
Protein change: p.Met148fs; shifts the reading frame from methionine 148.
Molecular consequence: frameshift variant.
Genome position (GRCh38, 1-based): chr13:48,345,141-48,345,142, AT deleted; deleting any 2 consecutive bases within chr13:48,345,140-48,345,142 gives the same sequence; the c. name uses the placement nearest the transcript's 3' end. VCF-style (leftmost placement, unchanged base first): chr13-48345139-CTA-C. GRCh37 (hg19) VCF-style: chr13-48919275-CTA-C.
Other names: c.442_443del, p.Met148fs (NM_001407165.1, NM_001407166.1); short protein forms M148fs.
Identifiers: ClinVar variation 3237127 (VCV003237127.1), dbSNP rs2542159378.